The following is an entry in ClinVar:

ClinVar aggregate classification (germline): Pathogenic (1 of 4 stars; one submission).

Conditions:
Hereditary cancer-predisposing syndrome. Also called: Neoplastic Syndromes, Hereditary; Hereditary Cancer Syndrome; Tumor predisposition; Hereditary neoplastic syndrome. Identifiers: Orphanet 140162, MedGen C0027672, MeSH D009386, MONDO:0015356.

Submission:

Ambry Genetics
Classification: Pathogenic for Hereditary cancer-predisposing syndrome. Last evaluated: 2025-02-13. Review status: criteria provided, single submitter. Criteria: Ambry Variant Classification Scheme 2023. Collection method: clinical testing. Allele origin: germline.
Comment: The p.G53* pathogenic mutation (also known as c.157G>T), located in coding exon 1 of the SMARCA4 gene, results from a G to T substitution at nucleotide position 157. This changes the amino acid from a glycine to a stop codon within coding exon 1. This alteration is expected to result in loss of function by premature protein truncation or nonsense-mediated mRNA decay. Loss-of-function variants in SMARCA4 are known to cause rhabdoid tumor predisposition syndrome including small cell carcinoma of the ovary-hypercalcemic type (SCCOHT); however, such associations with neurodevelopmental disorders are exceedingly rare (Kosho T et al. Am J Med Genet C Semin Med Genet. 2014 Sep;166C(3):262-75; Jelinic P et al. Nat Genet. 2014 May;46(5):424-6). Based on the supporting evidence, this alteration is pathogenic for rhabdoid tumor predisposition syndrome; however, the association of this alteration with Coffin-Siris syndrome is unlikely.

NM_003072.5(SMARCA4):c.157G>T (p.Gly53Ter)

Gene: SMARCA4 (SWI/SNF related BAF chromatin remodeling complex subunit ATPase 4; plus strand). Cytogenetic location: 19p13.2.
Variant type: single nucleotide variant.
Coding change: c.157G>T on transcript NM_003072.5 (MANE Select); coding-DNA position 157, G replaced by T.
Protein change: p.Gly53Ter; replaces glycine 53 with a stop codon.
Molecular consequence: nonsense. On other transcripts: non-coding transcript variant (1).
Genome position (GRCh38, 1-based): chr19:10,984,308, G>T. VCF-style: chr19-10984308-G-T. GRCh37 (hg19) VCF-style: chr19-11094984-G-T.
Other names: c.157G>T, p.Gly53Ter (NM_001128844.3, NM_001128845.2, NM_001128846.2 and 6 more transcripts); short protein forms G53*.
Identifiers: ClinVar variation 3798913 (VCV003798913.1).